The following is an entry in ClinVar:

NM_004181.5(UCHL1):c.526+3_526+4del

Gene: UCHL1 (ubiquitin C-terminal hydrolase L1; plus strand). Cytogenetic location: 4p13.
Variant type: Deletion.
Coding change: c.526+3_526+4del on transcript NM_004181.5 (MANE Select); bases 3 to 4 of the intron after coding-DNA position 526, 2 bases deleted (AT; older notation c.526+3_526+4delAT).
Molecular consequence: splice donor variant.
Genome position (GRCh38, 1-based): chr4:41,263,294-41,263,295, AT deleted; deleting any 2 consecutive bases within chr4:41,263,293-41,263,295 gives the same sequence; the c. name uses the placement nearest the transcript's 3' end. VCF-style (leftmost placement, unchanged base first): chr4-41263292-GTA-G. GRCh37 (hg19) VCF-style: chr4-41265309-GTA-G.
Identifiers: ClinVar variation 2809260 (VCV002809260.3), dbSNP rs2551922938, ClinGen allele CA2739265890.

ClinVar aggregate classification (germline): Uncertain significance (1 of 4 stars; one submission).

Submission:

Labcorp Genetics (formerly Invitae), Labcorp
Classification: Uncertain significance. Last evaluated: 2022-12-29. Review status: criteria provided, single submitter. Criteria: Invitae Variant Classification Sherloc (09022015). Collection method: clinical testing. Allele origin: germline.
Comment: This sequence change falls in intron 7 of the UCHL1 gene. It does not directly change the encoded amino acid sequence of the UCHL1 protein. It affects a nucleotide within the consensus splice site. This variant is not present in population databases (gnomAD no frequency). This variant has not been reported in the literature in individuals affected with UCHL1-related conditions. Variants that disrupt the consensus splice site are a relatively common cause of aberrant splicing (PMID: 17576681, 9536098). Algorithms developed to predict the effect of sequence changes on RNA splicing suggest that this variant may disrupt the consensus splice site. In summary, the available evidence is currently insufficient to determine the role of this variant in disease. Therefore, it has been classified as a Variant of Uncertain Significance.

Literature cited by the submitters: PubMed 17576681; PubMed 9536098.